The following is an entry in ClinVar:

NM_024312.5(GNPTAB):c.3134_3135+8delinsCGTTAAGTAGATT

Gene: GNPTAB (N-acetylglucosamine-1-phosphate transferase subunits alpha and beta; minus strand). Cytogenetic location: 12q23.2.
Variant type: Indel.
Coding change: c.3134_3135+8delinsCGTTAAGTAGATT on transcript NM_024312.5 (MANE Select); coding-DNA position 3134 through 8 bases into the intron after coding-DNA position 3135, AGGTGTTGTA replaced by CGTTAAGTAGATT.
Molecular consequence: splice donor variant.
Genome position (GRCh38, 1-based): chr12:101,761,119-101,761,128, TACAACACCT replaced by AATCTACTTAACG on the plus strand (AGGTGTTGTA replaced by CGTTAAGTAGATT on the coding strand, the reverse complement: GNPTAB is on the minus strand). VCF-style: chr12-101761119-TACAACACCT-AATCTACTTAACG. GRCh37 (hg19) VCF-style: chr12-102154897-TACAACACCT-AATCTACTTAACG.
Identifiers: ClinVar variation 2945197 (VCV002945197.3), dbSNP rs2547954157, ClinGen allele CA2740092554.

ClinVar aggregate classification (germline): Likely pathogenic (1 of 4 stars; one submission).

Conditions:
Mucolipidosis type II. Also called: ML II ALPHA/BETA; Mucolipidosis 2; ML 2; Inclusion cell disease; Leroy Disease; N-acetylglucosamine 1phosphotransferase deficiency. Identifiers: Orphanet 576, MedGen C2673377, MONDO:0009650, OMIM 252500.
Pseudo-Hurler polydystrophy. Also called: ML III; ML III ALPHA/BETA; Type III Mucolipidosis; ML IIIA; Mucolipidosis III Alpha/Beta; MUCOLIPIDOSIS IIIA. Identifiers: Orphanet 423461, Orphanet 577, MedGen C0033788, MONDO:0018931, OMIM 252600.

Submission:

Labcorp Genetics (formerly Invitae), Labcorp
Classification: Likely pathogenic for Pseudo-Hurler polydystrophy; Mucolipidosis type II. Last evaluated: 2023-03-09. Review status: criteria provided, single submitter. Criteria: Invitae Variant Classification Sherloc (09022015). Collection method: clinical testing. Allele origin: germline.
Comment: This variant results in the deletion of part of exon 15 (c.3134_3135+8delinsCGTTAAGTAGATT) of the GNPTAB gene. It is expected to disrupt RNA splicing. Variants that disrupt the donor or acceptor splice site typically lead to a loss of protein function (PMID: 16199547), and loss-of-function variants in GNPTAB are known to be pathogenic (PMID: 19617216, 25107912). Information on the frequency of this variant in the gnomAD database is not available, as this variant may be reported differently in the database. This variant has not been reported in the literature in individuals affected with GNPTAB-related conditions. In summary, the currently available evidence indicates that the variant is pathogenic, but additional data are needed to prove that conclusively. Therefore, this variant has been classified as Likely Pathogenic.

Literature cited by the submitters: PubMed 16199547; PubMed 19617216; PubMed 25107912.